The following is an entry in ClinVar:

ClinVar aggregate classification (germline): Uncertain significance. Review status: criteria provided, multiple submitters, no conflicts (2 of 4 stars). 3 submissions from 3 submitters: Uncertain significance (3). Last evaluated 2025-10-30.

Conditions:
Mendelian susceptibility to mycobacterial diseases due to complete IL12RB1 deficiency. Also called: Immunodeficiency 30; IL12RB1 DEFICIENCY. Identifiers: Orphanet 319552, MedGen C4013949, MONDO:0013955, OMIM 614891.
Inborn genetic diseases. Identifiers: MedGen C0950123, MeSH D030342.

Allele frequency attached by ClinVar (database versions not stated): ExAC 0.00002; TOPMed 0.00006; ESP Exome Variant Server 0.00008; gnomAD exomes 0.00002 and 0.00005.
gnomAD v4.1: 80 of 1,613,224 alleles (0.005%); highest among the groups gnomAD compares: Non-Finnish European, 0.0067%; no homozygotes.

Submissions (3):

Ambry Genetics
Classification: Uncertain significance for Inborn genetic diseases. Last evaluated: 2025-10-30. Review status: criteria provided, single submitter. Criteria: Ambry Variant Classification Scheme 2023. Collection method: clinical testing. Allele origin: germline.

Labcorp Genetics (formerly Invitae), Labcorp
Classification: Uncertain significance for Mendelian susceptibility to mycobacterial diseases due to complete IL12RB1 deficiency. Last evaluated: 2023-05-11. Review status: criteria provided, single submitter. Criteria: Invitae Variant Classification Sherloc (09022015). Collection method: clinical testing. Allele origin: germline.
Comment: Advanced modeling of protein sequence and biophysical properties (such as structural, functional, and spatial information, amino acid conservation, physicochemical variation, residue mobility, and thermodynamic stability) has been performed at Invitae for this missense variant, however the output from this modeling did not meet the statistical confidence thresholds required to predict the impact of this variant on IL12RB1 protein function. ClinVar contains an entry for this variant (Variation ID: 850939). This variant has not been reported in the literature in individuals affected with IL12RB1-related conditions. This variant is present in population databases (rs369482167, gnomAD 0.006%). This sequence change replaces serine, which is neutral and polar, with asparagine, which is neutral and polar, at codon 472 of the IL12RB1 protein (p.Ser472Asn). In summary, the available evidence is currently insufficient to determine the role of this variant in disease. Therefore, it has been classified as a Variant of Uncertain Significance.

Fulgent Genetics
Classification: Uncertain significance for Mendelian susceptibility to mycobacterial diseases due to complete IL12RB1 deficiency. Last evaluated: 2021-09-21. Review status: criteria provided, single submitter. Criteria: ACMG Guidelines, 2015. Collection method: clinical testing. Allele origin: unknown.

NM_005535.3(IL12RB1):c.1415G>A (p.Ser472Asn)

Gene: IL12RB1 (interleukin 12 receptor subunit beta 1; minus strand). Cytogenetic location: 19p13.11.
Variant type: single nucleotide variant.
Coding change: c.1415G>A on transcript NM_005535.3 (MANE Select); coding-DNA position 1415, G replaced by A.
Protein change: p.Ser472Asn; replaces serine 472 with asparagine.
Molecular consequence: missense variant.
Genome position (GRCh38, 1-based): chr19:18,066,610, C>T on the plus strand (G>A on the coding strand, the complement: IL12RB1 is on the minus strand). VCF-style: chr19-18066610-C-T. GRCh37 (hg19) VCF-style: chr19-18177420-C-T.
Other names: c.1415G>A, p.Ser472Asn (NM_001290023.2); c.1535G>A, p.Ser512Asn (NM_001290024.2); short protein forms S512N, S472N.
Identifiers: ClinVar variation 850939 (VCV000850939.8), dbSNP rs369482167, ClinGen allele CA9304843.
Genomic context (GRCh38, chr19:18,066,610, plus strand): 5'-TGTTTGCTGTCTTCATCTCGGCAGCGGACAACATACTCCTTTAGGACGCCGGGACAGGTG[C>T]TCAGCAGGGATGGTGCCCAGTCCACAGACACAGAGTCCAAGCTATGATTCTTCACCGAGA-3'
Protein context (NP_005526.1, residues 462-482): VSVDWAPSLL[Ser472Asn]TCPGVLKEYV